The following is an entry in ClinVar:

NM_001035.3(RYR2):c.3423+2T>C

Gene: RYR2 (ryanodine receptor 2; plus strand). Cytogenetic location: 1q43.
Variant type: single nucleotide variant.
Coding change: c.3423+2T>C on transcript NM_001035.3 (MANE Select); the canonical splice donor site of the intron after coding-DNA position 3423, T replaced by C.
Molecular consequence: splice donor variant.
Genome position (GRCh38, 1-based): chr1:237,566,777, T>C. VCF-style: chr1-237566777-T-C. GRCh37 (hg19) VCF-style: chr1-237730077-T-C.
Other names: c.3423+2T>C (NM_001035.2).
Identifiers: ClinVar variation 1510806 (VCV001510806.11), dbSNP rs2148253549, ClinGen allele CA345398971.
Genomic context (GRCh38, chr1:237,566,777, plus strand): 5'-GTCAACCGGATCAGGAGCTTGGCTCAGATGAACGTGCCTTTGCCTTTGATGGCTTCAAGG[T>C]GAGTGGACTTTGTCCTGTGCCAGTCATCTGTACGTGCTGGAGGCTCATCTCCTCTGCTGT-3'

ClinVar aggregate classification (germline): Uncertain significance. Review status: criteria provided, multiple submitters, no conflicts (2 of 4 stars). 4 submissions from 4 submitters: Uncertain significance (4). Last evaluated 2026-04-01.

Conditions:
Cardiovascular phenotype. Identifiers: MedGen CN230736.
Catecholaminergic polymorphic ventricular tachycardia (CVPT). Also called: Catecholamine-induced polymorphic ventricular tachycardia. Identifiers: Orphanet 3286, MedGen C5574922, MONDO:0017990.
Cardiomyopathy (CMYO). Also called: Cardiomyopathies. Identifiers: Orphanet 167848, MedGen C0878544, MONDO:0004994, HP:0001638. Inheritance: Various modes of inheritance.
Catecholaminergic polymorphic ventricular tachycardia 1. Also called: VENTRICULAR TACHYCARDIA, CATECHOLAMINERGIC POLYMORPHIC, 1, WITH OR WITHOUT ATRIAL DYSFUNCTION AND/OR DILATED CARDIOMYOPATHY; VENTRICULAR TACHYCARDIA, STRESS-INDUCED POLYMORPHIC 1; RYR2-Related Catecholaminergic Polymorphic Ventricular Tachycardia. Identifiers: Orphanet 3286, MedGen C1631597, MONDO:0011484, OMIM 604772.

Submissions (4):

Ambry Genetics
Classification: Uncertain significance for Cardiovascular phenotype. Last evaluated: 2026-04-01. Review status: criteria provided, single submitter. Criteria: Ambry Variant Classification Scheme 2023. Collection method: clinical testing. Allele origin: germline.
Comment: The c.3423+2T>C intronic variant results from a T to C substitution two nucleotides after coding exon 28 in the RYR2 gene. This nucleotide position is highly conserved in available vertebrate species. In silico splice site analysis predicts that this alteration may weaken the native splice donor site and may result in the creation or strengthening of a novel splice donor site. Variants that disrupt the canonical splice site are expected to cause aberrant splicing, resulting in an abnormal protein or a transcript that is subject to nonsense-mediated mRNA decay. However, loss of function has not been established as a mechanism of disease. Based on the available evidence, the clinical significance of this variant remains unclear.

Color Diagnostics, LLC DBA Color Health
Classification: Uncertain significance for Cardiomyopathy. Last evaluated: 2024-07-31. Review status: criteria provided, single submitter. Criteria: ACMG Guidelines, 2015. Collection method: clinical testing. Allele origin: germline.
Comment: This variant results in the substitution of T nucleotide to C nucleotide at +2 position in intron 28 in the RYR2 gene. To our knowledge, functional studies have not been reported for this variant. This variant has not been reported in individuals affected with RYR2-related disorders in the literature. This variant has not been identified in the general population by the Genome Aggregation Database (gnomAD). The available evidence is insufficient to determine the role of this variant in disease conclusively. Therefore, this variant is classified as a Variant of Uncertain Significance.

All of Us Research Program, National Institutes of Health
Classification: Uncertain significance for Catecholaminergic polymorphic ventricular tachycardia. Last evaluated: 2022-11-28. Review status: criteria provided, single submitter. Criteria: ACMG Guidelines, 2015. Collection method: clinical testing. Allele origin: germline. Inheritance: Autosomal dominant inheritance. Observed: 1 variant allele, 1 heterozygote.
Comment: This study involves interpretation of variants in research participants for the purpose of population health screening. Participant phenotype was not available at the time of variant classification. Additional details can be found in publication PMID: 35346344, PMCID: PMC8962531

Labcorp Genetics (formerly Invitae), Labcorp
Classification: Uncertain significance for Catecholaminergic polymorphic ventricular tachycardia 1. Last evaluated: 2021-04-19. Review status: criteria provided, single submitter. Criteria: Invitae Variant Classification Sherloc (09022015). Collection method: clinical testing. Allele origin: germline.
Comment: This variant has not been reported in the literature in individuals with RYR2-related conditions. Algorithms developed to predict the effect of sequence changes on RNA splicing suggest that this variant may disrupt the consensus splice site, but this prediction has not been confirmed by published transcriptional studies. In summary, the available evidence is currently insufficient to determine the role of this variant in disease. Therefore, it has been classified as a Variant of Uncertain Significance. This variant is not present in population databases (ExAC no frequency). This sequence change affects a donor splice site in intron 28 of the RYR2 gene. It is expected to disrupt RNA splicing. Variants that disrupt the donor or acceptor splice site typically lead to a loss of protein function (PMID: 16199547), however the current clinical and genetic evidence is not sufficient to establish whether loss-of-function variants in RYR2 cause disease.

Literature cited by the submitters: PubMed 16199547 (cited by Labcorp Genetics (formerly Invitae), Labcorp).